The following is an entry in ClinVar:

NM_001128178.3(NPHP1):c.523-14T>A

Gene: NPHP1 (nephrocystin 1; minus strand). Cytogenetic location: 2q13.
Variant type: single nucleotide variant.
Coding change: c.523-14T>A on transcript NM_001128178.3 (MANE Select); 14 bases into the intron before coding-DNA position 523, T replaced by A.
Molecular consequence: intron variant.
Genome position (GRCh38, 1-based): chr2:110,168,567, A>T on the plus strand (T>A on the coding strand, the complement: NPHP1 is on the minus strand). VCF-style: chr2-110168567-A-T. GRCh37 (hg19) VCF-style: chr2-110926144-A-T.
Other names: c.337-14T>A (NM_001128179.3); c.523-14T>A (NM_001374256.1, NM_001374257.1, NM_207181.4 and 1 more transcripts).
Identifiers: ClinVar variation 2014103 (VCV002014103.4), dbSNP rs1455262943, ClinGen allele CA2580063730.

ClinVar aggregate classification (germline): Uncertain significance (1 of 4 stars; one submission).

Conditions:
Nephronophthisis. Also called: Juvenile Nephronophthisis. Identifiers: Orphanet 655, MedGen C0687120, MONDO:0019005, HP:0000090.

Submission:

Labcorp Genetics (formerly Invitae), Labcorp
Classification: Uncertain significance for Nephronophthisis. Last evaluated: 2022-09-27. Review status: criteria provided, single submitter. Criteria: Invitae Variant Classification Sherloc (09022015). Collection method: clinical testing. Allele origin: germline.
Comment: In summary, the available evidence is currently insufficient to determine the role of this variant in disease. Therefore, it has been classified as a Variant of Uncertain Significance. Algorithms developed to predict the effect of sequence changes on RNA splicing suggest that this variant may disrupt the consensus splice site. This variant has not been reported in the literature in individuals affected with NPHP1-related conditions. This variant is not present in population databases (gnomAD no frequency). This sequence change falls in intron 5 of the NPHP1 gene. It does not directly change the encoded amino acid sequence of the NPHP1 protein.